The following is an entry in ClinVar:

ClinVar aggregate classification (germline): Uncertain significance (1 of 4 stars; one submission).

Conditions:
Episodic ataxia type 1 (EA1). Also called: Episodic ataxia/myokymia syndrome; ATAXIA, EPISODIC, WITH MYOKYMIA; MYOKYMIA WITH PERIODIC ATAXIA; PAROXYSMAL ATAXIA WITH NEUROMYOTONIA, HEREDITARY. Identifiers: Orphanet 37612, Orphanet 972, MedGen C1719788, MONDO:0008047, OMIM 160120.

gnomAD v4.1: 1 of 1,614,102 alleles (0.000062%); highest among the groups gnomAD compares: Admixed American, 0.0017%; no homozygotes.

Submission:

Labcorp Genetics (formerly Invitae), Labcorp
Classification: Uncertain significance for Episodic ataxia type 1. Last evaluated: 2024-05-24. Review status: criteria provided, single submitter. Criteria: Invitae Variant Classification Sherloc (09022015). Collection method: clinical testing. Allele origin: germline.
Comment: This sequence change replaces threonine, which is neutral and polar, with lysine, which is basic and polar, at codon 199 of the KCNA1 protein (p.Thr199Lys). This variant is not present in population databases (gnomAD no frequency). This variant has not been reported in the literature in individuals affected with KCNA1-related conditions. Advanced modeling of protein sequence and biophysical properties (such as structural, functional, and spatial information, amino acid conservation, physicochemical variation, residue mobility, and thermodynamic stability) performed at Invitae indicates that this missense variant is not expected to disrupt KCNA1 protein function with a negative predictive value of 95%. In summary, the available evidence is currently insufficient to determine the role of this variant in disease. Therefore, it has been classified as a Variant of Uncertain Significance.

NM_000217.3(KCNA1):c.596C>A (p.Thr199Lys)

Gene: KCNA1 (potassium voltage-gated channel subfamily A member 1; plus strand). Cytogenetic location: 12p13.32.
Variant type: single nucleotide variant.
Coding change: c.596C>A on transcript NM_000217.3 (MANE Select); coding-DNA position 596, C replaced by A.
Protein change: p.Thr199Lys; replaces threonine 199 with lysine.
Molecular consequence: missense variant.
Genome position (GRCh38, 1-based): chr12:4,911,974, C>A. VCF-style: chr12-4911974-C-A. GRCh37 (hg19) VCF-style: chr12-5021140-C-A.
Other names: short protein forms T199K.
Identifiers: ClinVar variation 3681827 (VCV003681827.2).